The following is an entry in ClinVar:

ClinVar aggregate classification (germline): Uncertain significance (1 of 4 stars; one submission).

Conditions:
Leber congenital amaurosis 4 (LCA4). Identifiers: MedGen C1858386, MONDO:0011458, OMIM 604393.

Submission:

Labcorp Genetics (formerly Invitae), Labcorp
Classification: Uncertain significance for Leber congenital amaurosis 4. Last evaluated: 2022-01-28. Review status: criteria provided, single submitter. Criteria: Invitae Variant Classification Sherloc (09022015). Collection method: clinical testing. Allele origin: germline.
Comment: In summary, the available evidence is currently insufficient to determine the role of this variant in disease. Therefore, it has been classified as a Variant of Uncertain Significance. Algorithms developed to predict the effect of missense changes on protein structure and function are either unavailable or do not agree on the potential impact of this missense change (SIFT: "Tolerated"; PolyPhen-2: "Not Available"; Align-GVGD: "Class C0"). This variant has not been reported in the literature in individuals affected with AIPL1-related conditions. This variant is not present in population databases (gnomAD no frequency). This sequence change replaces proline, which is neutral and non-polar, with leucine, which is neutral and non-polar, at codon 335 of the AIPL1 protein (p.Pro335Leu).

NM_014336.5(AIPL1):c.1004C>T (p.Pro335Leu)

Gene: AIPL1 (AIP like 1 HSP90 co-chaperone; minus strand). Cytogenetic location: 17p13.2.
Variant type: single nucleotide variant.
Coding change: c.1004C>T on transcript NM_014336.5 (MANE Select); coding-DNA position 1004, C replaced by T.
Protein change: p.Pro335Leu; replaces proline 335 with leucine.
Molecular consequence: missense variant. On other transcripts: 3 prime UTR variant (1).
Genome position (GRCh38, 1-based): chr17:6,425,611, G>A on the plus strand (C>T on the coding strand, the complement: AIPL1 is on the minus strand). VCF-style: chr17-6425611-G-A. GRCh37 (hg19) VCF-style: chr17-6328931-G-A.
Other names: c.815C>T, p.Pro272Leu (NM_001033054.3); c.824C>T, p.Pro275Leu (NM_001033055.3); c.968C>T, p.Pro323Leu (NM_001285399.3); c.938C>T, p.Pro313Leu (NM_001285400.3); c.932C>T, p.Pro311Leu (NM_001285401.3); c.887C>T, p.Pro296Leu (NM_001285402.2); c.*975C>T (NM_001285403.4); short protein forms P335L, P313L, P272L, P275L, P296L, P311L, P323L.
Identifiers: ClinVar variation 2090976 (VCV002090976.4), dbSNP rs863223363, ClinGen allele CA397394447.